The following is an entry in ClinVar:

ClinVar aggregate classification (germline): Uncertain significance (1 of 4 stars; one submission).

Submission:

Labcorp Genetics (formerly Invitae), Labcorp
Classification: Uncertain significance. Last evaluated: 2025-02-15. Review status: criteria provided, single submitter. Criteria: Invitae Variant Classification Sherloc (09022015). Collection method: clinical testing. Allele origin: germline.
Comment: This sequence change replaces glycine, which is neutral and non-polar, with arginine, which is basic and polar, at codon 286 of the GP6 protein (p.Gly286Arg). The frequency data for this variant in the population databases is considered unreliable, as metrics indicate poor data quality at this position in the gnomAD database. This variant has not been reported in the literature in individuals affected with GP6-related conditions. An algorithm developed to predict the effect of missense changes on protein structure and function outputs the following: PolyPhen-2: "Benign". The arginine amino acid residue is found in multiple mammalian species, which suggests that this missense change does not adversely affect protein function. In summary, the available evidence is currently insufficient to determine the role of this variant in disease. Therefore, it has been classified as a Variant of Uncertain Significance.

NM_016363.5(GP6):c.852G>A (p.Ala284=)

Gene: GP6 (glycoprotein VI platelet; minus strand). Cytogenetic location: 19q13.42.
Variant type: single nucleotide variant.
Coding change: c.852G>A on transcript NM_016363.5 (MANE Select); coding-DNA position 852, G replaced by A.
Protein change: p.Ala284=; no amino-acid change (alanine 284 retained).
Molecular consequence: synonymous variant. On other transcripts: missense variant (1).
Genome position (GRCh38, 1-based): chr19:55,015,089, C>T on the plus strand (G>A on the coding strand, the complement: GP6 is on the minus strand). VCF-style: chr19-55015089-C-T. GRCh37 (hg19) VCF-style: chr19-55526457-C-T.
Other names: c.856G>A, p.Gly286Arg (NM_001083899.2); c.798G>A, p.Ala266= (NM_001256017.2); short protein forms G286R.
Identifiers: ClinVar variation 4806026 (VCV004806026.1).
Genomic context (GRCh38, chr19:55,015,089, plus strand): 5'-AGCCCTGCCCCTGTGCCGCAGGCGCTTCCTCCGGCTGTGCCAGTCCTCTGCCAGAAACCC[C>T]GCCAGGATTATTAGGATCACAGCCCCGAGGCATATCCGGACCAGGTTGCCCTTGGTGTAG-3'
Protein context (NP_057447.5, residues 274-294): CLGAVILIIL[Ala284=]GFLAEDWHSR